The following is an entry in ClinVar:

ClinVar aggregate classification (germline): Uncertain significance. Review status: criteria provided, multiple submitters, no conflicts (2 of 4 stars). 2 submissions from 2 submitters: Uncertain significance (2). Last evaluated 2022-08-01.

Conditions:
Autosomal dominant limb-girdle muscular dystrophy type 1F (LGMDD2). Also called: Limb-girdle muscular dystrophy, type 1F; MUSCULAR DYSTROPHY, LIMB-GIRDLE, AUTOSOMAL DOMINANT 2. Identifiers: Orphanet 55595, MedGen C1842062, MONDO:0012034, OMIM 608423.

Allele frequency attached by ClinVar (database versions not stated): gnomAD exomes below 0.00001 and 0.00001; TOPMed 0.00001; ESP Exome Variant Server 0.00008.
gnomAD v4.1: 9 of 1,614,158 alleles (0.00056%); highest among the groups gnomAD compares: Non-Finnish European, 0.00059%; no homozygotes.

Submissions (2):

CeGaT Center for Human Genetics Tuebingen
Classification: Uncertain significance. Last evaluated: 2022-08-01. Review status: criteria provided, single submitter. Criteria: CeGaT Center For Human Genetics Tuebingen Variant Classification Criteria Version 2. Collection method: clinical testing. Allele origin: germline. Affected: yes. Observed: 1 variant allele.
Comment: TNPO3: PM2, PP2

Labcorp Genetics (formerly Invitae), Labcorp
Classification: Uncertain significance for Autosomal dominant limb-girdle muscular dystrophy type 1F. Last evaluated: 2022-03-03. Review status: criteria provided, single submitter. Criteria: Invitae Variant Classification Sherloc (09022015). Collection method: clinical testing. Allele origin: germline.
Comment: Algorithms developed to predict the effect of missense changes on protein structure and function are either unavailable or do not agree on the potential impact of this missense change (SIFT: "Deleterious"; PolyPhen-2: "Probably Damaging"; Align-GVGD: "Class C15"). In summary, the available evidence is currently insufficient to determine the role of this variant in disease. Therefore, it has been classified as a Variant of Uncertain Significance. ClinVar contains an entry for this variant (Variation ID: 464844). This variant has not been reported in the literature in individuals affected with TNPO3-related conditions. This variant is present in population databases (rs137891112, gnomAD 0.004%). This sequence change replaces proline, which is neutral and non-polar, with leucine, which is neutral and non-polar, at codon 470 of the TNPO3 protein (p.Pro470Leu).

NM_012470.4(TNPO3):c.1409C>T (p.Pro470Leu)

Gene: TNPO3 (transportin 3; minus strand). Cytogenetic location: 7q32.1.
Variant type: single nucleotide variant.
Coding change: c.1409C>T on transcript NM_012470.4 (MANE Select); coding-DNA position 1409, C replaced by T.
Protein change: p.Pro470Leu; replaces proline 470 with leucine.
Molecular consequence: missense variant. On other transcripts: non-coding transcript variant (18).
Genome position (GRCh38, 1-based): chr7:128,990,050, G>A on the plus strand (C>T on the coding strand, the complement: TNPO3 is on the minus strand). VCF-style: chr7-128990050-G-A. GRCh37 (hg19) VCF-style: chr7-128630104-G-A.
Other names: c.1409C>T, p.Pro470Leu (NM_001191028.3, NM_001382218.1, NM_001382220.1 and 1 more transcripts); c.1511C>T, p.Pro504Leu (NM_001382216.1); c.1490C>T, p.Pro497Leu (NM_001382217.1); c.1301C>T, p.Pro434Leu (NM_001382219.1); c.1265C>T, p.Pro422Leu (NM_001382221.1); c.1262C>T, p.Pro421Leu (NM_001382222.1); short protein forms P470L, P421L, P422L, P434L, P497L, P504L.
Identifiers: ClinVar variation 464844 (VCV000464844.40), dbSNP rs137891112, ClinGen allele CA166216822.